The following is an entry in ClinVar:

ClinVar aggregate classification (germline): Uncertain significance (1 of 4 stars; one submission).

Conditions:
Hereditary cancer-predisposing syndrome. Also called: Neoplastic Syndromes, Hereditary; Tumor predisposition; Hereditary neoplastic syndrome; Hereditary Cancer Syndrome. Identifiers: Orphanet 140162, MedGen C0027672, MeSH D009386, MONDO:0015356.

Submission:

Color Diagnostics, LLC DBA Color Health
Classification: Uncertain significance for Hereditary cancer-predisposing syndrome. Last evaluated: 2020-10-08. Review status: criteria provided, single submitter. Criteria: ACMG Guidelines, 2015. Collection method: clinical testing. Allele origin: germline.
Comment: This missense variant replaces glutamic acid with aspartic acid at codon 255 of the MSH6 protein. Computational prediction suggests that this variant may not impact protein structure and function (internally defined REVEL score threshold <= 0.5, PMID: 27666373). To our knowledge, functional studies have not been reported for this variant. This variant has not been reported in individuals affected with hereditary cancer in the literature. This variant has not been identified in the general population by the Genome Aggregation Database (gnomAD). The available evidence is insufficient to determine the role of this variant in disease conclusively. Therefore, this variant is classified as a Variant of Uncertain Significance.

NM_000179.3(MSH6):c.765G>C (p.Glu255Asp)

Gene: MSH6 (mutS homolog 6; plus strand). Cytogenetic location: 2p16.3.
Variant type: single nucleotide variant.
Coding change: c.765G>C on transcript NM_000179.3 (MANE Select); coding-DNA position 765, G replaced by C.
Protein change: p.Glu255Asp; replaces glutamic acid 255 with aspartic acid.
Molecular consequence: missense variant. On other transcripts: 5 prime UTR variant (2).
Genome position (GRCh38, 1-based): chr2:47,798,748, G>C. VCF-style: chr2-47798748-G-C. GRCh37 (hg19) VCF-style: chr2-48025887-G-C.
Other names: c.375G>C, p.Glu125Asp (NM_001281492.2); c.-142G>C (NM_001281493.2, NM_001281494.2); short protein forms E255D, E125D.
Identifiers: ClinVar variation 629092 (VCV000629092.4), dbSNP rs1558659230, ClinGen allele CA346740181.
Genomic context (GRCh38, chr2:47,798,748, plus strand): 5'-ACAAGGATCTAGGCGAAGTAGCCGCCAAATAAAAAAACGAAGGGTCATATCAGATTCTGA[G>C]AGTGACATTGGTGGCTCTGATGTGGAATTTAAGCCAGACACTAAGGAGGAAGGAAGCAGT-3'
Protein context (NP_000170.1, residues 245-265): IKKRRVISDS[Glu255Asp]SDIGGSDVEF